The following is an entry in ClinVar:

NM_001367624.2(ZNF469):c.11615C>T (p.Pro3872Leu)

Gene: ZNF469 (zinc finger protein 469; plus strand). Cytogenetic location: 16q24.2.
Variant type: single nucleotide variant.
Coding change: c.11615C>T on transcript NM_001367624.2 (MANE Select); coding-DNA position 11615, C replaced by T.
Protein change: p.Pro3872Leu; replaces proline 3872 with leucine.
Molecular consequence: missense variant.
Genome position (GRCh38, 1-based): chr16:88,439,085, C>T. VCF-style: chr16-88439085-C-T. GRCh37 (hg19) VCF-style: chr16-88505493-C-T.
Other names: NM_001127464.1:c.11531C>T; short protein forms P3872L.
Identifiers: ClinVar variation 1424748 (VCV001424748.4), dbSNP rs974559662, ClinGen allele CA286388312.
Genomic context (GRCh38, chr16:88,439,085, plus strand): 5'-CAACTCCCAGCCGCGTGCTCCCGACCAAGCCCAAGCCCAACAGCCAGAACAAACCCAGGC[C>T]GCCACCATCAGAGCAGCGGAAGGCAGAGCCGGGCCACACACAGAGGAAGGACAGACTGGG-3'
Protein context (NP_001354553.1, residues 3862-3882): PKPNSQNKPR[Pro3872Leu]PPSEQRKAEP

ClinVar aggregate classification (germline): Uncertain significance. Review status: criteria provided, multiple submitters, no conflicts (2 of 4 stars). 2 submissions from 2 submitters: Uncertain significance (2). Last evaluated 2022-11-27.

Conditions:
Cardiovascular phenotype. Identifiers: MedGen CN230736.

Allele frequency attached by ClinVar (database versions not stated): gnomAD 0.00001 and 0.00002; gnomAD exomes 0.00002 and 0.00003; TOPMed 0.00002.
gnomAD v4.1: 28 of 1,550,814 alleles (0.0018%); highest among the groups gnomAD compares: Non-Finnish European, 0.0018%; no homozygotes.

Submissions (2):

Ambry Genetics
Classification: Uncertain significance for Cardiovascular phenotype. Last evaluated: 2022-11-27. Review status: criteria provided, single submitter. Criteria: Ambry Variant Classification Scheme 2023. Collection method: clinical testing. Allele origin: germline.
Comment: The p.P3844L variant (also known as c.11531C>T), located in coding exon 2 of the ZNF469 gene, results from a C to T substitution at nucleotide position 11531. The proline at codon 3844 is replaced by leucine, an amino acid with similar properties. This amino acid position is conserved. In addition, this alteration is predicted to be tolerated by in silico analysis. Since supporting evidence is limited at this time, the clinical significance of this alteration remains unclear.

Labcorp Genetics (formerly Invitae), Labcorp
Classification: Uncertain significance. Last evaluated: 2022-03-18. Review status: criteria provided, single submitter. Criteria: Invitae Variant Classification Sherloc (09022015). Collection method: clinical testing. Allele origin: germline.
Comment: This sequence change replaces proline, which is neutral and non-polar, with leucine, which is neutral and non-polar, at codon 3844 of the ZNF469 protein (p.Pro3844Leu). This variant is present in population databases (no rsID available, gnomAD 0.006%). This variant has not been reported in the literature in individuals affected with ZNF469-related conditions. Algorithms developed to predict the effect of missense changes on protein structure and function output the following: SIFT: "Tolerated"; PolyPhen-2: "Benign"; Align-GVGD: "Class C0". The leucine amino acid residue is found in multiple mammalian species, which suggests that this missense change does not adversely affect protein function. In summary, the available evidence is currently insufficient to determine the role of this variant in disease. Therefore, it has been classified as a Variant of Uncertain Significance.